The following is an entry in ClinVar:

ClinVar aggregate classification (germline): Uncertain significance. Review status: criteria provided, multiple submitters, no conflicts (2 of 4 stars). 2 submissions from 2 submitters: Uncertain significance (2). Last evaluated 2026-01-06.

Conditions:
Inborn genetic diseases. Identifiers: MedGen C0950123, MeSH D030342.

Allele frequency attached by ClinVar (database versions not stated): gnomAD exomes 0.00002; TOPMed 0.00003; ExAC 0.00009; 1000 Genomes Project 30x 0.00016; 1000 Genomes Project 0.00020.
gnomAD v4.1: 33 of 1,613,664 alleles (0.002%); highest among the groups gnomAD compares: Admixed American, 0.012%; no homozygotes.

Submissions (2):

Labcorp Genetics (formerly Invitae), Labcorp
Classification: Uncertain significance. Last evaluated: 2026-01-06. Review status: criteria provided, single submitter. Criteria: Invitae Variant Classification Sherloc (09022015). Collection method: clinical testing. Allele origin: germline.
Comment: This sequence change replaces arginine, which is basic and polar, with histidine, which is basic and polar, at codon 2330 of the DCHS1 protein (p.Arg2330His). This variant is present in population databases (rs200322732, gnomAD 0.02%). This variant has not been reported in the literature in individuals affected with DCHS1-related conditions. ClinVar contains an entry for this variant (Variation ID: 2980719). Invitae Evidence Modeling of protein sequence and biophysical properties (such as structural, functional, and spatial information, amino acid conservation, physicochemical variation, residue mobility, and thermodynamic stability) indicates that this missense variant is not expected to disrupt DCHS1 protein function with a negative predictive value of 80%. This variant disrupts the p.Arg2330 amino acid residue in DCHS1. Other variant(s) that disrupt this residue have been determined to be pathogenic (PMID: 26258302). This suggests that this residue is clinically significant, and that variants that disrupt this residue are likely to be disease-causing. In summary, the available evidence is currently insufficient to determine the role of this variant in disease. Therefore, it has been classified as a Variant of Uncertain Significance.

Ambry Genetics
Classification: Uncertain significance for Inborn genetic diseases. Last evaluated: 2024-04-09. Review status: criteria provided, single submitter. Criteria: Ambry Variant Classification Scheme 2023. Collection method: clinical testing. Allele origin: germline.

Literature cited by the submitters: PubMed 26258302 (cited by Labcorp Genetics (formerly Invitae), Labcorp).

NM_003737.4(DCHS1):c.6989G>A (p.Arg2330His)

Gene: DCHS1 (dachsous cadherin-related 1; minus strand). Cytogenetic location: 11p15.4.
Variant type: single nucleotide variant.
Coding change: c.6989G>A on transcript NM_003737.4 (MANE Select); coding-DNA position 6989, G replaced by A.
Protein change: p.Arg2330His; replaces arginine 2330 with histidine.
Molecular consequence: missense variant.
Genome position (GRCh38, 1-based): chr11:6,625,355, C>T on the plus strand (G>A on the coding strand, the complement: DCHS1 is on the minus strand). VCF-style: chr11-6625355-C-T. GRCh37 (hg19) VCF-style: chr11-6646586-C-T.
Other names: c.6989G>A (NM_003737.2); short protein forms R2330H.
Identifiers: ClinVar variation 2980719 (VCV002980719.4), dbSNP rs200322732, ClinGen allele CA5859719.